The following is an entry in ClinVar:

ClinVar aggregate classification (germline): Uncertain significance (1 of 4 stars; one submission).

Allele frequency attached by ClinVar (database versions not stated): ExAC 0.00002; gnomAD exomes 0.00001; TOPMed below 0.00001.
gnomAD v4.1: 7 of 1,601,328 alleles (0.00044%); highest among the groups gnomAD compares: Non-Finnish European, 0.0006%; no homozygotes.

Submission:

Labcorp Genetics (formerly Invitae), Labcorp
Classification: Uncertain significance. Last evaluated: 2022-03-14. Review status: criteria provided, single submitter. Criteria: Invitae Variant Classification Sherloc (09022015). Collection method: clinical testing. Allele origin: germline.
Comment: In summary, the available evidence is currently insufficient to determine the role of this variant in disease. Therefore, it has been classified as a Variant of Uncertain Significance. Algorithms developed to predict the effect of missense changes on protein structure and function (SIFT, PolyPhen-2, Align-GVGD) all suggest that this variant is likely to be tolerated. This variant has not been reported in the literature in individuals affected with IFT57-related conditions. This variant is present in population databases (rs772596396, gnomAD 0.0009%). This sequence change replaces alanine, which is neutral and non-polar, with threonine, which is neutral and polar, at codon 224 of the IFT57 protein (p.Ala224Thr).

NM_018010.4(IFT57):c.670G>A (p.Ala224Thr)

Gene: IFT57 (intraflagellar transport 57; minus strand). Cytogenetic location: 3q13.12.
Variant type: single nucleotide variant.
Coding change: c.670G>A on transcript NM_018010.4 (MANE Select); coding-DNA position 670, G replaced by A.
Protein change: p.Ala224Thr; replaces alanine 224 with threonine.
Molecular consequence: missense variant.
Genome position (GRCh38, 1-based): chr3:108,191,628, C>T on the plus strand (G>A on the coding strand, the complement: IFT57 is on the minus strand). VCF-style: chr3-108191628-C-T. GRCh37 (hg19) VCF-style: chr3-107910475-C-T.
Other names: short protein forms A224T.
Identifiers: ClinVar variation 2057995 (VCV002057995.4), dbSNP rs772596396, ClinGen allele CA2526621.